The following is an entry in ClinVar:

NM_002519.3(NPAT):c.2516T>C (p.Val839Ala)

Gene: NPAT (nuclear protein, coactivator of histone transcription; minus strand). Cytogenetic location: 11q22.3.
Variant type: single nucleotide variant.
Coding change: c.2516T>C on transcript NM_002519.3 (MANE Select); coding-DNA position 2516, T replaced by C.
Protein change: p.Val839Ala; replaces valine 839 with alanine.
Molecular consequence: missense variant.
Genome position (GRCh38, 1-based): chr11:108,172,468, A>G on the plus strand (T>C on the coding strand, the complement: NPAT is on the minus strand). VCF-style: chr11-108172468-A-G. GRCh37 (hg19) VCF-style: chr11-108043195-A-G.
Other names: c.2516T>C, p.Val839Ala (NM_001321307.1); short protein forms V839A.
Identifiers: ClinVar variation 1792466 (VCV001792466.5), dbSNP rs201252474, ClinGen allele CA6263798.

ClinVar aggregate classification (germline): Uncertain significance. Review status: criteria provided, multiple submitters, no conflicts (2 of 4 stars). 2 submissions from 2 submitters: Uncertain significance (2). Last evaluated 2025-02-20.

Allele frequency attached by ClinVar (database versions not stated): gnomAD 0.00009; ESP Exome Variant Server 0.00025; gnomAD exomes 0.00006; ExAC 0.00002; TOPMed 0.00008.
gnomAD v4.1: 107 of 1,614,106 alleles (0.0066%); highest among the groups gnomAD compares: Non-Finnish European, 0.0084%; no homozygotes.

Submissions (2):

Labcorp Genetics (formerly Invitae), Labcorp
Classification: Uncertain significance. Last evaluated: 2025-02-20. Review status: criteria provided, single submitter. Criteria: Invitae Variant Classification Sherloc (09022015). Collection method: clinical testing. Allele origin: germline.
Comment: This sequence change replaces valine, which is neutral and non-polar, with alanine, which is neutral and non-polar, at codon 839 of the NPAT protein (p.Val839Ala). This variant is present in population databases (rs201252474, gnomAD 0.004%). This variant has not been reported in the literature in individuals affected with NPAT-related conditions. ClinVar contains an entry for this variant (Variation ID: 1792466). An algorithm developed to predict the effect of missense changes on protein structure and function outputs the following: PolyPhen-2: "Benign". The alanine amino acid residue is found in multiple mammalian species, which suggests that this missense change does not adversely affect protein function. In summary, the available evidence is currently insufficient to determine the role of this variant in disease. Therefore, it has been classified as a Variant of Uncertain Significance.

Ambry Genetics
Classification: Uncertain significance. Last evaluated: 2022-10-20. Review status: criteria provided, single submitter. Criteria: Ambry Variant Classification Scheme 2023. Collection method: clinical testing. Allele origin: germline.
Comment: The p.V839A variant (also known as c.2516T>C), located in coding exon 13 of the NPAT gene, results from a T to C substitution at nucleotide position 2516. The valine at codon 839 is replaced by alanine, an amino acid with similar properties. This amino acid position is conserved. In addition, this alteration is predicted to be tolerated by in silico analysis. Since supporting evidence is limited at this time, the clinical significance of this alteration remains unclear.